The following is an entry in ClinVar:

ClinVar aggregate classification (germline): Uncertain significance. Review status: criteria provided, multiple submitters, no conflicts (2 of 4 stars). 2 submissions from 2 submitters: Uncertain significance (2). Last evaluated 2025-12-12.

Conditions:
Hereditary cancer-predisposing syndrome. Also called: Hereditary neoplastic syndrome; Tumor predisposition; Neoplastic Syndromes, Hereditary; Hereditary Cancer Syndrome. Identifiers: Orphanet 140162, MedGen C0027672, MeSH D009386, MONDO:0015356.

Submissions (2):

Labcorp Genetics (formerly Invitae), Labcorp
Classification: Uncertain significance. Last evaluated: 2025-12-12. Review status: criteria provided, single submitter. Criteria: Invitae Variant Classification Sherloc (09022015). Collection method: clinical testing. Allele origin: germline.
Comment: This sequence change replaces arginine, which is basic and polar, with glycine, which is neutral and non-polar, at codon 1471 of the POLE protein (p.Arg1471Gly). This variant is not present in population databases (gnomAD no frequency). This variant has not been reported in the literature in individuals affected with POLE-related conditions. ClinVar contains an entry for this variant (Variation ID: 571224). Invitae Evidence Modeling of protein sequence and biophysical properties (such as structural, functional, and spatial information, amino acid conservation, physicochemical variation, residue mobility, and thermodynamic stability) indicates that this missense variant is not expected to disrupt POLE protein function with a negative predictive value of 80%. In summary, the available evidence is currently insufficient to determine the role of this variant in disease. Therefore, it has been classified as a Variant of Uncertain Significance.

Ambry Genetics
Classification: Uncertain significance for Hereditary cancer-predisposing syndrome. Last evaluated: 2025-09-15. Review status: criteria provided, single submitter. Criteria: Ambry Variant Classification Scheme 2023. Collection method: clinical testing. Allele origin: germline.
Comment: The p.R1471G variant (also known as c.4411C>G), located in coding exon 34 of the POLE gene, results from a C to G substitution at nucleotide position 4411. The arginine at codon 1471 is replaced by glycine, an amino acid with dissimilar properties. This amino acid position is well conserved in available vertebrate species. In addition, the in silico prediction for this alteration is inconclusive. Based on the available evidence, the clinical significance of this variant remains unclear.

NM_006231.4(POLE):c.4411C>G (p.Arg1471Gly)

Gene: POLE (DNA polymerase epsilon, catalytic subunit; minus strand). Cytogenetic location: 12q24.33.
Variant type: single nucleotide variant.
Coding change: c.4411C>G on transcript NM_006231.4 (MANE Select); coding-DNA position 4411, C replaced by G.
Protein change: p.Arg1471Gly; replaces arginine 1471 with glycine.
Molecular consequence: missense variant.
Genome position (GRCh38, 1-based): chr12:132,643,440, G>C on the plus strand (C>G on the coding strand, the complement: POLE is on the minus strand). VCF-style: chr12-132643440-G-C. GRCh37 (hg19) VCF-style: chr12-133220026-G-C.
Other names: c.4411C>G (NM_006231.2); short protein forms R1471G.
Identifiers: ClinVar variation 571224 (VCV000571224.7), dbSNP rs528264567, ClinGen allele CA387381052.